The following is an entry in ClinVar:

NM_001378120.1(MBD5):c.853G>A (p.Val285Ile)

Gene: MBD5 (methyl-CpG binding domain protein 5; plus strand). Cytogenetic location: 2q23.1.
Variant type: single nucleotide variant.
Coding change: c.853G>A on transcript NM_001378120.1 (MANE Select); coding-DNA position 853, G replaced by A.
Protein change: p.Val285Ile; replaces valine 285 with isoleucine.
Molecular consequence: missense variant.
Genome position (GRCh38, 1-based): chr2:148,468,796, G>A. VCF-style: chr2-148468796-G-A. GRCh37 (hg19) VCF-style: chr2-149226365-G-A.
Other names: c.853G>A, p.Val285Ile (NM_018328.5); short protein forms V285I.
Identifiers: ClinVar variation 2569390 (VCV002569390.3), dbSNP rs767611277, ClinGen allele CA1899933.
Genomic context (GRCh38, chr2:148,468,796, plus strand): 5'-CCTATTCACCTGAATAGGACTCCTCTTTCTCCACCTTCAGTAATGCTACATGGTTCTCCT[G>A]TACAGTCATCCTGTGCAATGGCTGGAAGGACTAATATACCTCTTTCCCCAACCTTGACTA-3'
Protein context (NP_001365049.1, residues 275-295): PPSVMLHGSP[Val285Ile]QSSCAMAGRT

ClinVar aggregate classification (germline): Conflicting classifications of pathogenicity. Review status: criteria provided, conflicting classifications (1 of 4 stars). 2 submissions from 2 submitters: Uncertain significance (1); Likely benign (1). Last evaluated 2023-11-16.

Conditions:
Inborn genetic diseases. Identifiers: MedGen C0950123, MeSH D030342.

Allele frequency attached by ClinVar (database versions not stated): ExAC 0.00001; gnomAD 0.00001; gnomAD exomes 0.00001; TOPMed 0.00002.
gnomAD v4.1: 13 of 1,613,660 alleles (0.00081%); highest among the groups gnomAD compares: Non-Finnish European, 0.00076%; no homozygotes.

Submissions (2):

Women's Health and Genetics/Laboratory Corporation of America, LabCorp
Classification: Uncertain significance. Last evaluated: 2023-11-16. Review status: criteria provided, single submitter. Criteria: LabCorp Variant Classification Summary - May 2015. Collection method: clinical testing. Allele origin: germline.
Comment: Variant summary: MBD5 c.853G>A (p.Val285Ile) results in a conservative amino acid change in the encoded protein sequence. Five of five in-silico tools predict a benign effect of the variant on protein function. The variant allele was found at a frequency of 4e-06 in 250876 control chromosomes. The available data on variant occurrences in the general population are insufficient to allow any conclusion about variant significance. To our knowledge, no occurrence of c.853G>A in individuals affected with MBD5 Associated Neurodevelopmental Disorder and no experimental evidence demonstrating its impact on protein function have been reported. One submitter has cited clinical-significance assessments for this variant to ClinVar after 2014 and has classified the variant as likely benign. Based on the evidence outlined above, the variant was classified as uncertain significance.

Ambry Genetics
Classification: Likely benign for Inborn genetic diseases. Last evaluated: 2023-04-07. Review status: criteria provided, single submitter. Criteria: Ambry Variant Classification Scheme 2023. Collection method: clinical testing. Allele origin: germline.